The following is an entry in ClinVar:

NM_001177701.3(IFT27):c.311T>C (p.Leu104Pro)

Genes: CACNG2-DT (CACNG2 divergent transcript; plus strand), IFT27 (intraflagellar transport 27; minus strand). Cytogenetic location: 22q12.3.
Variant type: single nucleotide variant.
Coding change: c.311T>C on transcript NM_001177701.3 (MANE Select); coding-DNA position 311, T replaced by C.
Protein change: p.Leu104Pro; replaces leucine 104 with proline.
Molecular consequence: missense variant.
Genome position (GRCh38, 1-based): chr22:36,763,960, A>G on the plus strand (T>C on the coding strand, the complement: IFT27 is on the minus strand). VCF-style: chr22-36763960-A-G. GRCh37 (hg19) VCF-style: chr22-37160004-A-G.
Other names: c.311T>C, p.Leu104Pro (NM_001363003.2); c.308T>C, p.Leu103Pro (NM_006860.5); short protein forms L103P, L104P.
Identifiers: ClinVar variation 5019901 (VCV005019901.2).
Genomic context (GRCh38, chr22:36,763,960, plus strand): 5'-GGGTGTCTGCAGCCCGTACCTGGGAGAGAGATGCCTGGAGCCTGTGACCGAGCCTTCTCC[A>G]GCCACTTGCTGCAGTTGTTGAAGGATTCTTCATTGGTCACATCATAGACGAGACATAAGA-3'
Protein context (NP_001171172.1, residues 94-114): EESFNNCSKW[Leu104Pro]EKARSQAPGI

ClinVar aggregate classification (germline): Uncertain significance (1 of 4 stars; one submission).

Conditions:
Bardet-Biedl syndrome 19 (BBS19). Identifiers: Orphanet 110, MedGen C3889475, MONDO:0014447, OMIM 615996.

Submission:

Juno Genomics, Hangzhou Juno Genomics, Inc
Classification: Uncertain significance for Bardet-Biedl syndrome 19. Review status: criteria provided, single submitter. Criteria: ACMG Guidelines, 2015. Collection method: clinical testing. Allele origin: germline.
Comment: Absent from controls (or at extremely low frequency if recessive) in Genome Aggregation Database.;Multiple lines of computational evidence support a deleterious effect on the gene or gene product.